The following is an entry in ClinVar:

ClinVar aggregate classification (germline): Benign/Likely benign. Review status: criteria provided, multiple submitters, no conflicts (2 of 4 stars). 4 submissions from 4 submitters: Benign (2); Likely benign (2). Last evaluated 2026-09-21.

Conditions:
Cardiovascular phenotype. Identifiers: MedGen CN230736.
Aortic valve disease 2 (AOVD2). Identifiers: MedGen C3542024, MONDO:0013902, OMIM 614823.
Holt-Oram syndrome (HOS). Also called: TBX5-Related Holt-Oram Syndrome; Ventriculo-radial syndrome; Cardiac-limb syndrome; Heart-hand syndrome, type 1. Identifiers: Orphanet 392, MedGen C0265264, MONDO:0007732, OMIM 142900.

Allele frequency attached by ClinVar (database versions not stated): gnomAD exomes 0.00003 and 0.00008; ExAC 0.00009; gnomAD 0.00022 and 0.00024; 1000 Genomes Project 30x 0.00016; TOPMed 0.00016; 1000 Genomes Project 0.00020; ESP Exome Variant Server 0.00023.

Submissions (4):

Molecular Diagnostic Laboratory for Inherited Cardiovascular Disease, Montreal Heart Institute
Classification: Likely benign. Last evaluated: 2026-09-21. Review status: criteria provided, single submitter. Criteria: ACMG Guidelines, 2015. Collection method: clinical testing. Allele origin: germline. Affected: no.
Comment: BS1;BP7

Labcorp Genetics (formerly Invitae), Labcorp
Classification: Benign for Aortic valve disease 2. Last evaluated: 2025-02-20. Review status: criteria provided, single submitter. Criteria: Invitae Variant Classification Sherloc (09022015). Collection method: clinical testing. Allele origin: germline.

Ambry Genetics
Classification: Likely benign for Cardiovascular phenotype. Last evaluated: 2020-02-27. Review status: criteria provided, single submitter. Criteria: Ambry Variant Classification Scheme 2023. Collection method: clinical testing. Allele origin: germline.

Illumina Laboratory Services, Illumina
Classification: Benign for Holt-Oram syndrome. Last evaluated: 2018-01-13. Review status: criteria provided, single submitter. Criteria: ICSL Variant Classification Criteria 13 December 2019. Collection method: clinical testing. Allele origin: germline.
Comment: This variant was observed in the ICSL laboratory as part of a predisposition screen in an ostensibly healthy population. It had not been previously curated by ICSL or reported in the Human Gene Mutation Database (HGMD: prior to June 1st, 2018), and was therefore a candidate for classification through an automated scoring system. Utilizing variant allele frequency, disease prevalence and penetrance estimates, and inheritance mode, an automated score was calculated to assess if this variant is too frequent to cause the disease. Based on the score and internal cut-off values, a variant classified as benign is not then subjected to further curation. The score for this variant resulted in a classification of benign for this disease.

NM_181486.4(TBX5):c.318T>C (p.Ile106=)

Gene: TBX5 (T-box transcription factor 5; minus strand). Cytogenetic location: 12q24.21.
Variant type: single nucleotide variant.
Coding change: c.318T>C on transcript NM_181486.4 (MANE Select); coding-DNA position 318, T replaced by C.
Protein change: p.Ile106=; no amino-acid change (isoleucine 106 retained).
Molecular consequence: synonymous variant.
Genome position (GRCh38, 1-based): chr12:114,399,557, A>G on the plus strand (T>C on the coding strand, the complement: TBX5 is on the minus strand). VCF-style: chr12-114399557-A-G. GRCh37 (hg19) VCF-style: chr12-114837362-A-G.
Other names: c.318T>C, p.Ile106= (NM_000192.3); c.168T>C, p.Ile56= (NM_080717.4).
Identifiers: ClinVar variation 307308 (VCV000307308.12), dbSNP rs141457646, ClinGen allele CA6809644.
Genomic context (GRCh38, chr12:114,399,557, plus strand): 5'-CCACCCCAGTGCCTACCATTTATTATCTGCGAATTTGTATCTGTGATCGTCGGCAGGTAC[A>G]ATGTCCATGAGAAGAATGTACTTCGTTTTGGGATTAAGGCCCGTCACCTTCACTTTGTAA-3'
Protein context (NP_852259.1, residues 96-116): PKTKYILLMD[Ile106=]VPADDHRYKF